The following is an entry in ClinVar:

ClinVar aggregate classification (germline): Uncertain significance. Review status: criteria provided, multiple submitters, no conflicts (2 of 4 stars). 2 submissions from 2 submitters: Uncertain significance (2). Last evaluated 2025-12-03.

Conditions:
Generalized epilepsy with febrile seizures plus, type 7 (GEFSP7). Also called: GEFS+, TYPE 7. Identifiers: Orphanet 36387, MedGen C2751778, MONDO:0013470, OMIM 613863.
Neuropathy, hereditary sensory and autonomic, type 2A (HSAN2A). Also called: HSAN IIA; ACROOSTEOLYSIS, GIACCAI TYPE; ACROOSTEOLYSIS, NEUROGENIC; MORVAN DISEASE; NEUROPATHY, CONGENITAL SENSORY; NEUROPATHY, HEREDITARY SENSORY RADICULAR, AUTOSOMAL RECESSIVE. Identifiers: Orphanet 970, MedGen C2752089, MONDO:0024309, OMIM 201300.
Inborn genetic diseases. Identifiers: MedGen C0950123, MeSH D030342.

Allele frequency attached by ClinVar (database versions not stated): ExAC 0.00001; gnomAD exomes 0.00001; TOPMed 0.00003; ESP Exome Variant Server 0.00008; gnomAD 0.00008 and 0.00009.
gnomAD v4.1: 17 of 1,613,796 alleles (0.0011%); highest among the groups gnomAD compares: African/African-American, 0.023%; no homozygotes.

Submissions (2):

Labcorp Genetics (formerly Invitae), Labcorp
Classification: Uncertain significance for Neuropathy, hereditary sensory and autonomic, type 2A; Generalized epilepsy with febrile seizures plus, type 7. Last evaluated: 2025-12-03. Review status: criteria provided, single submitter. Criteria: Invitae Variant Classification Sherloc (09022015). Collection method: clinical testing. Allele origin: germline.
Comment: This sequence change replaces serine, which is neutral and polar, with leucine, which is neutral and non-polar, at codon 1346 of the SCN9A protein (p.Ser1346Leu). This variant is present in population databases (rs372650944, gnomAD 0.008%). This variant has not been reported in the literature in individuals affected with SCN9A-related conditions. ClinVar contains an entry for this variant (Variation ID: 1054031). Invitae Evidence Modeling of protein sequence and biophysical properties (such as structural, functional, and spatial information, amino acid conservation, physicochemical variation, residue mobility, and thermodynamic stability) indicates that this missense variant is not expected to disrupt SCN9A protein function with a negative predictive value of 95%. In summary, the available evidence is currently insufficient to determine the role of this variant in disease. Therefore, it has been classified as a Variant of Uncertain Significance.

Ambry Genetics
Classification: Uncertain significance for Inborn genetic diseases. Last evaluated: 2025-06-30. Review status: criteria provided, single submitter. Criteria: Ambry Variant Classification Scheme 2023. Collection method: clinical testing. Allele origin: germline.

NM_001365536.1(SCN9A):c.4070C>T (p.Ser1357Leu)

Genes: SCN9A (sodium voltage-gated channel alpha subunit 9; minus strand), SCN1A-AS1 (SCN1A and SCN9A antisense RNA 1; plus strand). Cytogenetic location: 2q24.3.
Variant type: single nucleotide variant.
Coding change: c.4070C>T on transcript NM_001365536.1 (MANE Select); coding-DNA position 4070, C replaced by T.
Protein change: p.Ser1357Leu; replaces serine 1357 with leucine.
Molecular consequence: missense variant.
Genome position (GRCh38, 1-based): chr2:166,228,827, G>A on the plus strand (C>T on the coding strand, the complement: SCN9A is on the minus strand). VCF-style: chr2-166228827-G-A. GRCh37 (hg19) VCF-style: chr2-167085337-G-A.
Other names: c.4037C>T, p.Ser1346Leu (NM_002977.4); short protein forms S1346L, S1357L.
Identifiers: ClinVar variation 1054031 (VCV001054031.10), dbSNP rs372650944, ClinGen allele CA1943956.
Genomic context (GRCh38, chr2:166,228,827, plus strand): 5'-CTAACATTCATAAGGGCAAAACATTCGGAACGATTTGGAACTTGACTTGCAGGAAACCGT[G>A]ACCCATCTGTGGTGTTAATACACTCATAGAACTTGCCAGCAAACAAATTTACTCCCATGA-3'
Protein context (NP_001352465.1, residues 1347-1367): FYECINTTDG[Ser1357Leu]RFPASQVPNR